The following is an entry in ClinVar:

ClinVar aggregate classification (germline): Uncertain significance (1 of 4 stars; one submission).

Allele frequency attached by ClinVar (database versions not stated): TOPMed below 0.00001.

Submission:

Women's Health and Genetics/Laboratory Corporation of America, LabCorp
Classification: Uncertain significance. Last evaluated: 2023-07-28. Review status: criteria provided, single submitter. Criteria: LabCorp Variant Classification Summary - May 2015. Collection method: clinical testing. Allele origin: germline.
Comment: Variant summary: CRB1 c.936T>G (p.Asn312Lys) results in a non-conservative amino acid change located in the EGF-like domain (IPR000742) of the encoded protein sequence. Four of five in-silico tools predict a damaging effect of the variant on protein function. The variant was absent in 251460 control chromosomes. c.936T>G has been reported in the literature in at least one homozygous individual affected with Retinal Dystrophy (e.g. Zenteno_2019) and a compound heterozygous individual affected with early-onset cone-rod dystrophy with retinal telangiectasia (e.g. Henderson_2011). These data indicate that the variant may be associated with disease. To our knowledge, no experimental evidence demonstrating an impact on protein function has been reported. The following publications have been ascertained in the context of this evaluation (PMID: 20956273, 31736247). No submitters have cited clinical-significance assessments for this variant to ClinVar after 2014. Based on the evidence outlined above, the variant was classified as VUS-possibly pathogenic.

Literature cited by the submitters: PubMed 31736247; PubMed 20956273.

NM_201253.3(CRB1):c.936T>G (p.Asn312Lys)

Gene: CRB1 (crumbs cell polarity complex component 1; plus strand). Cytogenetic location: 1q31.3.
Variant type: single nucleotide variant.
Coding change: c.936T>G on transcript NM_201253.3 (MANE Select); coding-DNA position 936, T replaced by G.
Protein change: p.Asn312Lys; replaces asparagine 312 with lysine.
Molecular consequence: missense variant. On other transcripts: non-coding transcript variant (2), intron variant (1).
Genome position (GRCh38, 1-based): chr1:197,347,427, T>G. VCF-style: chr1-197347427-T-G. GRCh37 (hg19) VCF-style: chr1-197316557-T-G.
Other names: c.729T>G, p.Asn243Lys (NM_001257965.2); c.936T>G, p.Asn312Lys (NM_001257966.2); c.653-9404T>G (NM_001193640.2); short protein forms N243K, N312K.
Identifiers: ClinVar variation 2577209 (VCV002577209.1), dbSNP rs1659841571, ClinGen allele CA344084159.